The following is an entry in ClinVar:

ClinVar aggregate classification (germline): Likely benign (1 of 4 stars; one submission).

Allele frequency attached by ClinVar (database versions not stated): ExAC 0.00003; gnomAD 0.00003; TOPMed 0.00003; gnomAD exomes 0.00005; ESP Exome Variant Server 0.00008.
gnomAD v4.1: 82 of 1,612,364 alleles (0.0051%); highest among the groups gnomAD compares: Non-Finnish European, 0.0064%; no homozygotes.

Submission:

CeGaT Center for Human Genetics Tuebingen
Classification: Likely benign. Last evaluated: 2024-04-01. Review status: criteria provided, single submitter. Criteria: CeGaT Center For Human Genetics Tuebingen Variant Classification Criteria Version 2. Collection method: clinical testing. Allele origin: germline. Affected: yes. Observed: 1 variant allele.
Comment: NBEAL2: BP4, BP7

NM_015175.3(NBEAL2):c.1644C>T (p.Gly548=)

Gene: NBEAL2 (neurobeachin like 2; plus strand). Cytogenetic location: 3p21.31.
Variant type: single nucleotide variant.
Coding change: c.1644C>T on transcript NM_015175.3 (MANE Select); coding-DNA position 1644, C replaced by T.
Protein change: p.Gly548=; no amino-acid change (glycine 548 retained).
Molecular consequence: synonymous variant.
Genome position (GRCh38, 1-based): chr3:46,995,379, C>T. VCF-style: chr3-46995379-C-T. GRCh37 (hg19) VCF-style: chr3-47036869-C-T.
Other names: c.1542C>T, p.Gly514= (NM_001365116.2).
Identifiers: ClinVar variation 3234510 (VCV003234510.20), dbSNP rs375797054, ClinGen allele CA2360425.